The following is an entry in ClinVar:

ClinVar aggregate classification (germline): Likely benign (1 of 4 stars; one submission).

Allele frequency attached by ClinVar (database versions not stated): 1000 Genomes Project 0.00140; 1000 Genomes Project 30x 0.00156; ExAC 0.00371; TOPMed 0.00405; gnomAD 0.00417; ESP Exome Variant Server 0.00538.
gnomAD v4.1: 9,305 of 1,613,592 alleles (0.58%); highest among the groups gnomAD compares: Non-Finnish European, 0.72%; 29 homozygotes.

Submissions (11):

CeGaT Center for Human Genetics Tuebingen
Classification: Likely benign. Last evaluated: 2023-03-01. Review status: criteria provided, single submitter. Criteria: CeGaT Center For Human Genetics Tuebingen Variant Classification Criteria Version 2. Collection method: clinical testing. Allele origin: germline. Affected: yes. Observed: 1 variant allele.
Comment: VPS18: BP4, BP7, BS2

Dr. Peter K. Rogan Lab, Western University
No classification provided (evidence only). Condition: Malignant tumor of urinary bladder. Review status: no classification provided. Collection method: in vitro. Allele origin: not applicable. Functional consequence: skipped exon. Not counted in ClinVar's aggregate classification.

Dr. Peter K. Rogan Lab, Western University
No classification provided (evidence only). Condition: Clear cell carcinoma of kidney. Review status: no classification provided. Collection method: in vitro. Allele origin: not applicable. Functional consequence: skipped exon. Not counted in ClinVar's aggregate classification.

Dr. Peter K. Rogan Lab, Western University
No classification provided (evidence only). Condition: Melanoma. Review status: no classification provided. Collection method: in vitro. Allele origin: not applicable. Functional consequence: retained intron. Not counted in ClinVar's aggregate classification.

Dr. Peter K. Rogan Lab, Western University
No classification provided (evidence only). Condition: Melanoma. Review status: no classification provided. Collection method: in vitro. Allele origin: not applicable. Functional consequence: retained intron. Not counted in ClinVar's aggregate classification.

Dr. Peter K. Rogan Lab, Western University
No classification provided (evidence only). Condition: Melanoma. Review status: no classification provided. Collection method: in vitro. Allele origin: not applicable. Functional consequence: retained intron. Not counted in ClinVar's aggregate classification.

Dr. Peter K. Rogan Lab, Western University
No classification provided (evidence only). Condition: Familial cancer of breast. Review status: no classification provided. Collection method: in vitro. Allele origin: not applicable. Functional consequence: retained intron. Not counted in ClinVar's aggregate classification.

Dr. Peter K. Rogan Lab, Western University
No classification provided (evidence only). Condition: Familial cancer of breast. Review status: no classification provided. Collection method: in vitro. Allele origin: not applicable. Functional consequence: retained intron. Not counted in ClinVar's aggregate classification.

Dr. Peter K. Rogan Lab, Western University
No classification provided (evidence only). Condition: Acute myeloid leukemia. Review status: no classification provided. Collection method: in vitro. Allele origin: not applicable. Functional consequence: retained intron. Not counted in ClinVar's aggregate classification.

Dr. Peter K. Rogan Lab, Western University
No classification provided (evidence only). Condition: Ovarian serous cystadenocarcinoma. Review status: no classification provided. Collection method: in vitro. Allele origin: not applicable. Functional consequence: retained intron. Not counted in ClinVar's aggregate classification.

Dr. Peter K. Rogan Lab, Western University
No classification provided (evidence only). Condition: Adrenocortical carcinoma, hereditary. Review status: no classification provided. Collection method: in vitro. Allele origin: not applicable. Functional consequence: skipped exon. Not counted in ClinVar's aggregate classification.

NM_020857.3(VPS18):c.1524C>T (p.Gly508=)

Gene: VPS18 (VPS18 core subunit of CORVET and HOPS complexes; plus strand). Cytogenetic location: 15q15.1.
Variant type: single nucleotide variant.
Coding change: c.1524C>T on transcript NM_020857.3 (MANE Select); coding-DNA position 1524, C replaced by T.
Protein change: p.Gly508=; no amino-acid change (glycine 508 retained).
Molecular consequence: synonymous variant.
Genome position (GRCh38, 1-based): chr15:40,900,342, C>T. VCF-style: chr15-40900342-C-T. GRCh37 (hg19) VCF-style: chr15-41192540-C-T.
Other names: NC_000015.9:g.41192540C>T; c.1524C>T, p.Gly508= (NM_080432.1).
Identifiers: ClinVar variation 2645186 (VCV002645186.25), dbSNP rs79536497, ClinGen allele CA7487253.